The following is an entry in ClinVar:

NM_001371596.2(MFSD8):c.847T>G (p.Phe283Val)

Gene: MFSD8 (major facilitator superfamily domain containing 8; minus strand). Cytogenetic location: 4q28.2.
Variant type: single nucleotide variant.
Coding change: c.847T>G on transcript NM_001371596.2 (MANE Select); coding-DNA position 847, T replaced by G.
Protein change: p.Phe283Val; replaces phenylalanine 283 with valine.
Molecular consequence: missense variant.
Genome position (GRCh38, 1-based): chr4:127,933,001, A>C on the plus strand (T>G on the coding strand, the complement: MFSD8 is on the minus strand). VCF-style: chr4-127933001-A-C. GRCh37 (hg19) VCF-style: chr4-128854156-A-C.
Other names: c.646T>G, p.Phe216Val (NM_001363520.3); c.532T>G, p.Phe178Val (NM_001363521.3); c.712T>G, p.Phe238Val (NM_001371590.2); c.847T>G, p.Phe283Val (NM_001371591.2, NM_152778.4); c.853T>G, p.Phe285Val (NM_001371592.2); c.733T>G, p.Phe245Val (NM_001371593.2, NM_001410766.1); c.700T>G, p.Phe234Val (NM_001371594.2); c.565T>G, p.Phe189Val (NM_001371595.1); and 1 more; short protein forms F133V, F178V, F189V, F216V, F234V, F238V, F245V, F283V.
Identifiers: ClinVar variation 3366459 (VCV003366459.1).

ClinVar aggregate classification (germline): Likely pathogenic (1 of 4 stars; one submission).

Conditions:
Neuronal ceroid lipofuscinosis. Also called: Neuronal Ceroid Lipofuscinoses. Identifiers: Orphanet 216, Orphanet 79263, MedGen C0027877, MONDO:0016295. Disease mechanism: loss of function.

Submission:

Women's Health and Genetics/Laboratory Corporation of America, LabCorp
Classification: Likely pathogenic for Neuronal ceroid lipofuscinosis. Last evaluated: 2024-08-06. Review status: criteria provided, single submitter. Criteria: LabCorp Variant Classification Summary - May 2015. Collection method: clinical testing. Allele origin: germline.
Comment: Variant summary: MFSD8 c.847T>G (p.Phe283Val) results in a non-conservative amino acid change in the encoded protein sequence. Four of five in-silico tools predict a damaging effect of the variant on protein function. The variant was absent in 251246 control chromosomes (gnomAD). c.847T>G has been reported in the literature in individuals affected with Neuronal Ceroid-Lipofuscinosis (Panjeshahi_2023). These data indicate that the variant is likely to be associated with disease. To our knowledge, no experimental evidence demonstrating an impact on protein function has been reported. The following publication has been ascertained in the context of this evaluation (PMID: 37074398). No submitters have cited clinical-significance assessments for this variant to ClinVar. Based on the evidence outlined above, the variant was classified as likely pathogenic.

Literature cited by the submitters: PubMed 37074398.